The following is an entry in ClinVar:

NM_005173.4(ATP2A3):c.2631C>A (p.Ser877=)

Gene: ATP2A3 (ATPase sarcoplasmic/endoplasmic reticulum Ca2+ transporting 3; minus strand). Cytogenetic location: 17p13.2.
Variant type: single nucleotide variant.
Coding change: c.2631C>A on transcript NM_005173.4 (MANE Select); coding-DNA position 2631, C replaced by A.
Protein change: p.Ser877=; no amino-acid change (serine 877 retained).
Molecular consequence: synonymous variant.
Genome position (GRCh38, 1-based): chr17:3,930,414, G>T on the plus strand (C>A on the coding strand, the complement: ATP2A3 is on the minus strand). VCF-style: chr17-3930414-G-T. GRCh37 (hg19) VCF-style: chr17-3833708-G-T.
Other names: c.2631C>A, p.Ser877= (NM_174953.3, NM_174954.3, NM_174955.3 and 3 more transcripts).
Identifiers: ClinVar variation 781248 (VCV000781248.6), dbSNP rs112214270, ClinGen allele CA8296789.

ClinVar aggregate classification (germline): Benign. Review status: criteria provided, multiple submitters, no conflicts (2 of 4 stars). 3 submissions from 3 submitters: Benign (2). 1 of the submissions does not count toward it. Last evaluated 2017-12-11.

Conditions:
ATP2A3-related disorder. Also called: ATP2A3-related condition.

Allele frequency attached by ClinVar (database versions not stated): 1000 Genomes Project 30x 0.00671; 1000 Genomes Project 0.00719; gnomAD 0.00770; ESP Exome Variant Server 0.00800; TOPMed 0.00841.
gnomAD v4.1: 2,230 of 1,613,958 alleles (0.14%); highest among the groups gnomAD compares: African/African-American, 2.6%; 24 homozygotes.

Submissions (3):

Labcorp Genetics (formerly Invitae), Labcorp
Classification: Benign. Last evaluated: 2017-12-11. Review status: criteria provided, single submitter. Criteria: Invitae Variant Classification Sherloc (09022015). Collection method: clinical testing. Allele origin: germline.

Breakthrough Genomics
Classification: Benign. Review status: criteria provided, single submitter. Criteria: ACMG Guidelines, 2015. Collection method: not provided. Allele origin: germline. Inheritance: Unknown mechanism. Affected: yes.

PreventionGenetics, part of Exact Sciences
Classification: Benign for ATP2A3-related condition. Last evaluated: 2019-09-06. Review status: no assertion criteria provided. Collection method: clinical testing. Allele origin: germline. Not counted in ClinVar's aggregate classification.
Comment: This variant is classified as benign based on ACMG/AMP sequence variant interpretation guidelines (Richards et al. 2015 PMID: 25741868, with internal and published modifications).